The following is an entry in ClinVar:

NM_016562.4(TLR7):c.2869A>G (p.Met957Val)

Gene: TLR7 (toll like receptor 7; plus strand). Cytogenetic location: Xp22.2.
Variant type: single nucleotide variant.
Coding change: c.2869A>G on transcript NM_016562.4 (MANE Select); coding-DNA position 2869, A replaced by G.
Protein change: p.Met957Val; replaces methionine 957 with valine.
Molecular consequence: missense variant.
Genome position (GRCh38, 1-based): chrX:12,888,377, A>G. VCF-style: chrX-12888377-A-G. GRCh37 (hg19) VCF-style: chrX-12906496-A-G.
Other names: short protein forms M957V.
Identifiers: ClinVar variation 3689431 (VCV003689431.2).

ClinVar aggregate classification (germline): Uncertain significance (1 of 4 stars; one submission).

Submission:

Labcorp Genetics (formerly Invitae), Labcorp
Classification: Uncertain significance. Last evaluated: 2024-09-27. Review status: criteria provided, single submitter. Criteria: Invitae Variant Classification Sherloc (09022015). Collection method: clinical testing. Allele origin: germline.
Comment: This sequence change replaces methionine, which is neutral and non-polar, with valine, which is neutral and non-polar, at codon 957 of the TLR7 protein (p.Met957Val). This variant is present in population databases (no rsID available, gnomAD 0.008%). This variant has not been reported in the literature in individuals affected with TLR7-related conditions. An algorithm developed to predict the effect of missense changes on protein structure and function (PolyPhen-2) suggests that this variant is likely to be tolerated. In summary, the available evidence is currently insufficient to determine the role of this variant in disease. Therefore, it has been classified as a Variant of Uncertain Significance.